The following is an entry in ClinVar:

NM_005055.5(RAPSN):c.248T>A (p.Leu83Gln)

Gene: RAPSN (receptor associated protein of the synapse; minus strand). Cytogenetic location: 11p11.2.
Variant type: single nucleotide variant.
Coding change: c.248T>A on transcript NM_005055.5 (MANE Select); coding-DNA position 248, T replaced by A.
Protein change: p.Leu83Gln; replaces leucine 83 with glutamine.
Molecular consequence: missense variant.
Genome position (GRCh38, 1-based): chr11:47,448,095, A>T on the plus strand (T>A on the coding strand, the complement: RAPSN is on the minus strand). VCF-style: chr11-47448095-A-T. GRCh37 (hg19) VCF-style: chr11-47469647-A-T.
Other names: c.248T>A, p.Leu83Gln (NM_032645.5); short protein forms L83Q.
Identifiers: ClinVar variation 1014758 (VCV001014758.4), dbSNP rs2076424527, ClinGen allele CA380334962.

ClinVar aggregate classification (germline): Uncertain significance. Review status: criteria provided, single submitter (1 of 4 stars). 2 submissions from 2 submitters: Uncertain significance (1). 1 of the submissions does not count toward it. Last evaluated 2026-01-19.

Conditions:
Congenital myasthenic syndrome (CMS). Also called: Congenital Myasthenic Syndromes. Identifiers: Orphanet 590, MedGen C0751882, MeSH D020294, MONDO:0018940.
Congenital myasthenic syndrome 11. Also called: MYASTHENIC SYNDROME, CONGENITAL, Ie; Myasthenic syndrome, congenital, 11, associated with acetylcholine receptor deficiency. Identifiers: Orphanet 590, MedGen C4225367, MONDO:0014588, OMIM 616326.
Fetal akinesia deformation sequence 1 (FADS1). Also called: Fetal akinesia sequence; Pena-Shokeir syndrome type I. Identifiers: Orphanet 994, MedGen C1276035, MONDO:0100101, OMIM 208150, HP:0001989.

Allele frequency attached by ClinVar (database versions not stated): gnomAD exomes below 0.00001.
gnomAD v4.1: 1 of 1,613,930 alleles (0.000062%); highest among the groups gnomAD compares: Admixed American, 0.0017%; no homozygotes.

Submissions (2):

Labcorp Genetics (formerly Invitae), Labcorp
Classification: Uncertain significance for Congenital myasthenic syndrome 11; Fetal akinesia deformation sequence 1. Last evaluated: 2026-01-19. Review status: criteria provided, single submitter. Criteria: Invitae Variant Classification Sherloc (09022015). Collection method: clinical testing. Allele origin: germline.
Comment: This sequence change replaces leucine, which is neutral and non-polar, with glutamine, which is neutral and polar, at codon 83 of the RAPSN protein (p.Leu83Gln). This variant is not present in population databases (gnomAD no frequency). This variant has not been reported in the literature in individuals affected with RAPSN-related conditions. ClinVar contains an entry for this variant (Variation ID: 1014758). Invitae Evidence Modeling of protein sequence and biophysical properties (such as structural, functional, and spatial information, amino acid conservation, physicochemical variation, residue mobility, and thermodynamic stability) indicates that this missense variant is not expected to disrupt RAPSN protein function with a negative predictive value of 80%. In summary, the available evidence is currently insufficient to determine the role of this variant in disease. Therefore, it has been classified as a Variant of Uncertain Significance.

Natera, Inc.
Classification: Uncertain significance for Congenital myasthenic syndrome. Last evaluated: 2020-02-07. Review status: no assertion criteria provided. Collection method: clinical testing. Allele origin: germline. Not counted in ClinVar's aggregate classification.